The following is an entry in ClinVar:

ClinVar aggregate classification (germline): Uncertain significance. Review status: criteria provided, multiple submitters, no conflicts (2 of 4 stars). 2 submissions from 2 submitters: Uncertain significance (2). Last evaluated 2025-08-06.

Conditions:
Inborn genetic diseases. Identifiers: MedGen C0950123, MeSH D030342.
Ulnar-mammary syndrome (UMS). Also called: Ulnar-mammary syndrome of Pallister; PALLISTER ULNAR-MAMMARY SYNDROME; SCHINZEL SYNDROME. Identifiers: Orphanet 3138, MedGen C1866994, MONDO:0008411, OMIM 181450.

gnomAD v4.1: 1 of 1,510,274 alleles (0.000066%); highest among the groups gnomAD compares: Admixed American, 0.0023%; no homozygotes.

Submissions (2):

Ambry Genetics
Classification: Uncertain significance for Inborn genetic diseases. Last evaluated: 2025-08-06. Review status: criteria provided, single submitter. Criteria: Ambry Variant Classification Scheme 2023. Collection method: clinical testing. Allele origin: germline.

Labcorp Genetics (formerly Invitae), Labcorp
Classification: Uncertain significance for Ulnar-mammary syndrome. Last evaluated: 2024-10-22. Review status: criteria provided, single submitter. Criteria: Invitae Variant Classification Sherloc (09022015). Collection method: clinical testing. Allele origin: germline.
Comment: This sequence change replaces proline, which is neutral and non-polar, with leucine, which is neutral and non-polar, at codon 454 of the TBX3 protein (p.Pro454Leu). The frequency data for this variant in the population databases is considered unreliable, as metrics indicate poor data quality at this position in the gnomAD database. This variant has not been reported in the literature in individuals affected with TBX3-related conditions. An algorithm developed to predict the effect of missense changes on protein structure and function (PolyPhen-2) suggests that this variant is likely to be tolerated. In summary, the available evidence is currently insufficient to determine the role of this variant in disease. Therefore, it has been classified as a Variant of Uncertain Significance.

NM_005996.4(TBX3):c.1361C>T (p.Pro454Leu)

Gene: TBX3 (T-box transcription factor 3; minus strand). Cytogenetic location: 12q24.21.
Variant type: single nucleotide variant.
Coding change: c.1361C>T on transcript NM_005996.4 (MANE Select); coding-DNA position 1361, C replaced by T.
Protein change: p.Pro454Leu; replaces proline 454 with leucine.
Molecular consequence: missense variant.
Genome position (GRCh38, 1-based): chr12:114,674,514, G>A on the plus strand (C>T on the coding strand, the complement: TBX3 is on the minus strand). VCF-style: chr12-114674514-G-A. GRCh37 (hg19) VCF-style: chr12-115112319-G-A.
Other names: c.1361C>T (NM_005996.3); c.1421C>T, p.Pro474Leu (NM_016569.4); short protein forms P454L, P474L.
Identifiers: ClinVar variation 3612098 (VCV003612098.3).